The following is an entry in ClinVar:

NM_020207.7(ERCC6L2):c.1112G>A (p.Arg371His)

Gene: ERCC6L2 (ERCC excision repair 6 like 2; plus strand). Cytogenetic location: 9q22.32.
Variant type: single nucleotide variant.
Coding change: c.1112G>A on transcript NM_020207.7 (MANE Select); coding-DNA position 1112, G replaced by A.
Protein change: p.Arg371His; replaces arginine 371 with histidine.
Molecular consequence: missense variant. On other transcripts: non-coding transcript variant (1).
Genome position (GRCh38, 1-based): chr9:95,916,388, G>A. VCF-style: chr9-95916388-G-A. GRCh37 (hg19) VCF-style: chr9-98678670-G-A.
Other names: c.1112G>A, p.Arg371His (NM_001010895.4, NM_001375291.1, NM_001375292.1 and 2 more transcripts); short protein forms R371H.
Identifiers: ClinVar variation 3090132 (VCV003090132.2), dbSNP rs373574073, ClinGen allele CA5139457.

ClinVar aggregate classification (germline): Uncertain significance. Review status: criteria provided, multiple submitters, no conflicts (2 of 4 stars). 2 submissions from 2 submitters: Uncertain significance (2). Last evaluated 2025-10-26.

Conditions:
Inborn genetic diseases. Identifiers: MedGen C0950123, MeSH D030342.

Allele frequency attached by ClinVar (database versions not stated): gnomAD exomes 0.00001; gnomAD 0.00001; ESP Exome Variant Server 0.00015; ExAC 0.00003.

Submissions (2):

Labcorp Genetics (formerly Invitae), Labcorp
Classification: Uncertain significance. Last evaluated: 2025-10-26. Review status: criteria provided, single submitter. Criteria: Invitae Variant Classification Sherloc (09022015). Collection method: clinical testing. Allele origin: germline.
Comment: This sequence change replaces arginine, which is basic and polar, with histidine, which is basic and polar, at codon 382 of the ERCC6L2 protein (p.Arg382His). This variant is present in population databases (rs373574073, gnomAD 0.002%). This variant has not been reported in the literature in individuals affected with ERCC6L2-related conditions. ClinVar contains an entry for this variant (Variation ID: 3090132). Experimental studies and prediction algorithms are not available or were not evaluated, and the functional significance of this variant is currently unknown. In summary, the available evidence is currently insufficient to determine the role of this variant in disease. Therefore, it has been classified as a Variant of Uncertain Significance.

Ambry Genetics
Classification: Uncertain significance for Inborn genetic diseases. Last evaluated: 2023-12-21. Review status: criteria provided, single submitter. Criteria: Ambry Variant Classification Scheme 2023. Collection method: clinical testing. Allele origin: germline.